The following is an entry in ClinVar:

NM_020919.4(ALS2):c.4591C>G (p.Pro1531Ala)

Gene: ALS2 (alsin Rho guanine nucleotide exchange factor ALS2; minus strand). Cytogenetic location: 2q33.1.
Variant type: single nucleotide variant.
Coding change: c.4591C>G on transcript NM_020919.4 (MANE Select); coding-DNA position 4591, C replaced by G.
Protein change: p.Pro1531Ala; replaces proline 1531 with alanine.
Molecular consequence: missense variant.
Genome position (GRCh38, 1-based): chr2:201,705,451, G>C on the plus strand (C>G on the coding strand, the complement: ALS2 is on the minus strand). VCF-style: chr2-201705451-G-C. GRCh37 (hg19) VCF-style: chr2-202570174-G-C.
Other names: c.4588C>G, p.Pro1530Ala (NM_001410975.1); short protein forms P1531A, P1530A.
Identifiers: ClinVar variation 2040446 (VCV002040446.4), dbSNP rs760201551, ClinGen allele CA2057528.

ClinVar aggregate classification (germline): Uncertain significance (1 of 4 stars; one submission).

Conditions:
Infantile-onset ascending hereditary spastic paralysis (IAHSP). Also called: Autosomal Recessive Juvenile Amyotrophic Lateral Sclerosis; Infantile-Onset Ascending Hereditary Spastic Paralysis (IAHSP). Identifiers: Orphanet 293168, MedGen C2931441, MONDO:0011797, OMIM 607225. Disease mechanism: loss of function.

Allele frequency attached by ClinVar (database versions not stated): gnomAD exomes below 0.00001; ExAC 0.00003; gnomAD 0.00006; TOPMed 0.00007.
gnomAD v4.1: 11 of 1,612,680 alleles (0.00068%); highest among the groups gnomAD compares: African/African-American, 0.015%; no homozygotes.

Submission:

Labcorp Genetics (formerly Invitae), Labcorp
Classification: Uncertain significance for Infantile-onset ascending hereditary spastic paralysis. Last evaluated: 2024-10-22. Review status: criteria provided, single submitter. Criteria: Invitae Variant Classification Sherloc (09022015). Collection method: clinical testing. Allele origin: germline.
Comment: This sequence change replaces proline, which is neutral and non-polar, with alanine, which is neutral and non-polar, at codon 1531 of the ALS2 protein (p.Pro1531Ala). This variant is present in population databases (rs760201551, gnomAD 0.03%). This variant has not been reported in the literature in individuals affected with ALS2-related conditions. ClinVar contains an entry for this variant (Variation ID: 2040446). Invitae Evidence Modeling of protein sequence and biophysical properties (such as structural, functional, and spatial information, amino acid conservation, physicochemical variation, residue mobility, and thermodynamic stability) indicates that this missense variant is expected to disrupt ALS2 protein function with a positive predictive value of 80%. In summary, the available evidence is currently insufficient to determine the role of this variant in disease. Therefore, it has been classified as a Variant of Uncertain Significance.